The following is an entry in ClinVar:

ClinVar aggregate classification (germline): Uncertain significance (1 of 4 stars; one submission).

Conditions:
FLNA-related disorder.

Submission:

Baylor Genetics
Classification: Uncertain significance for FLNA related disorders. Last evaluated: 2017-09-01. Review status: criteria provided, single submitter. Criteria: ACMG Guidelines, 2015. Collection method: clinical testing. Allele origin: de novo. Inheritance: X-linked inheritance. Affected: yes.

Literature cited by the submitters: PubMed 25326635.

NM_001110556.2(FLNA):c.5872A>T (p.Met1958Leu)

Gene: FLNA (filamin A; minus strand). Cytogenetic location: Xq28.
Variant type: single nucleotide variant.
Coding change: c.5872A>T on transcript NM_001110556.2 (MANE Select); coding-DNA position 5872, A replaced by T.
Protein change: p.Met1958Leu; replaces methionine 1958 with leucine.
Molecular consequence: missense variant.
Genome position (GRCh38, 1-based): chrX:154,353,446, T>A on the plus strand (A>T on the coding strand, the complement: FLNA is on the minus strand). VCF-style: chrX-154353446-T-A. GRCh37 (hg19) VCF-style: chrX-153581814-T-A.
Other names: c.5848A>T, p.Met1950Leu (NM_001456.4); short protein forms M1950L, M1958L.
Identifiers: ClinVar variation 561011 (VCV000561011.2), dbSNP rs1569551491, ClinGen allele CA415198372.